The following is an entry in ClinVar:

NM_001040142.2(SCN2A):c.2403C>G (p.Ile801Met)

Gene: SCN2A (sodium voltage-gated channel alpha subunit 2; plus strand). Cytogenetic location: 2q24.3.
Variant type: single nucleotide variant.
Coding change: c.2403C>G on transcript NM_001040142.2 (MANE Select); coding-DNA position 2403, C replaced by G.
Protein change: p.Ile801Met; replaces isoleucine 801 with methionine.
Molecular consequence: missense variant.
Genome position (GRCh38, 1-based): chr2:165,342,310, C>G. VCF-style: chr2-165342310-C-G. GRCh37 (hg19) VCF-style: chr2-166198820-C-G.
Other names: c.2403C>G, p.Ile801Met (NM_001040143.2, NM_001371246.1, NM_001371247.1 and 1 more transcripts); short protein forms I801M.
Identifiers: ClinVar variation 1320811 (VCV001320811.2), dbSNP rs572550754, ClinGen allele CA349012504.

ClinVar aggregate classification (germline): Uncertain significance (1 of 4 stars; one submission).

Submission:

GeneDx
Classification: Uncertain significance. Last evaluated: 2021-01-08. Review status: criteria provided, single submitter. Criteria: GeneDx Variant Classification Process June 2021. Collection method: clinical testing. Allele origin: germline. Affected: yes.
Comment: Not observed in large population cohorts (Lek et al., 2016); Missense variants in this gene are often considered pathogenic (Stenson et al., 2014); In silico analysis supports that this missense variant has a deleterious effect on protein structure/function; Has not been previously published as pathogenic or benign to our knowledge; This substitution is predicted to be within the transmembrane segment S2 of the second homologous domain